The following is an entry in ClinVar:

NM_003722.5(TP63):c.1048A>G (p.Arg350Gly)

Gene: TP63 (tumor protein p63; plus strand). Cytogenetic location: 3q28.
Variant type: single nucleotide variant.
Coding change: c.1048A>G on transcript NM_003722.5 (MANE Select); coding-DNA position 1048, A replaced by G.
Protein change: p.Arg350Gly; replaces arginine 350 with glycine.
Molecular consequence: missense variant.
Genome position (GRCh38, 1-based): chr3:189,868,635, A>G. VCF-style: chr3-189868635-A-G. GRCh37 (hg19) VCF-style: chr3-189586424-A-G.
Other names: c.1048A>G, p.Arg350Gly (NM_001114978.2, NM_001114979.2, NM_001329144.2 and 1 more transcripts); c.766A>G, p.Arg256Gly (NM_001114980.2, NM_001114981.2, NM_001114982.2 and 2 more transcripts); c.511A>G, p.Arg171Gly (NM_001329146.2, NM_001329150.2); c.1042A>G, p.Arg348Gly (NM_001329964.2); short protein forms R350G, R256G, R348G, R171G.
Identifiers: ClinVar variation 372787 (VCV000372787.1), dbSNP rs1057517985, ClinGen allele CA16042468.

ClinVar aggregate classification (germline): Likely pathogenic (1 of 4 stars; one submission).

Submission:

GeneDx
Classification: Likely pathogenic. Last evaluated: 2016-08-16. Review status: criteria provided, single submitter. Criteria: GeneDx Variant Classification (06012015). Collection method: clinical testing. Allele origin: germline. Affected: yes.
Comment: A novel de novo R350G likely pathogenic variant was identified in the TP63 gene. R350G has been reported previously as R311G using alternate nomenclature in association with EEC (ectrodactyly, ectodermal dysplasia, clefting) (Clements et al., 2010), and its presence is consistent with the diagnosis in this fetus. The R350G variant was not observed in approximately 6500 individuals of European and African American ancestry in the NHLBI Exome Sequencing Project, indicating it is not a common benign variant in these populations. The R350G variant is a non-conservative amino acid substitution, which is likely to impact secondary protein structure as these residues differ in polarity, charge, size and/or other properties, and in silico analysis predicts this variant is probably damaging to the protein structure/function. Missense variants in nearby residues (C345R/Y, A346G/D, C347S/Y, P348S, G349E, D351H/N/G/E, R352G, A354E) have been reported in the Human Gene Mutation Database in association with Ectrodactyly-ED-Clefting (EEC) and related syndromes (Stenson et al., 2014), supporting the functional importance of this region of the protein. This substitution occurs at a position that is conserved across species within the DNA-binding region, where most pathogenic variants that cause EEC are located (Browne et al., 2011). Therefore, this variant is likely pathogenic; however, the possibility that it is benign cannot be excluded.